The following is an entry in ClinVar:

NM_000245.4(MET):c.3352A>G (p.Ile1118Val)

Gene: MET (MET proto-oncogene, receptor tyrosine kinase; plus strand). Cytogenetic location: 7q31.2.
Variant type: single nucleotide variant.
Coding change: c.3352A>G on transcript NM_000245.4 (MANE Select); coding-DNA position 3352, A replaced by G.
Protein change: p.Ile1118Val; replaces isoleucine 1118 with valine.
Molecular consequence: missense variant.
Genome position (GRCh38, 1-based): chr7:116,778,787, A>G. VCF-style: chr7-116778787-A-G. GRCh37 (hg19) VCF-style: chr7-116418841-A-G.
Other names: c.3406A>G, p.Ile1136Val (NM_001127500.3); c.2062A>G, p.Ile688Val (NM_001324402.2); short protein forms I1136V, I1118V, I688V.
Identifiers: ClinVar variation 454239 (VCV000454239.21), dbSNP rs755234697, ClinGen allele CA4448713.

ClinVar aggregate classification (germline): Conflicting classifications of pathogenicity. Review status: criteria provided, conflicting classifications (1 of 4 stars). 7 submissions from 7 submitters: Uncertain significance (6); Likely benign (1). Last evaluated 2025-12-23.

Conditions:
Hereditary cancer-predisposing syndrome. Also called: Hereditary Cancer Syndrome; Tumor predisposition; Hereditary neoplastic syndrome; Neoplastic Syndromes, Hereditary. Identifiers: Orphanet 140162, MedGen C0027672, MeSH D009386, MONDO:0015356.
Renal cell carcinoma. Identifiers: Orphanet 217071, MedGen C0007134, MeSH D002292, MONDO:0005086, HP:0005584.
Autosomal recessive nonsyndromic hearing loss 97. Also called: Deafness, autosomal recessive 97. Identifiers: Orphanet 90636, MedGen C4084709, MONDO:0014739, OMIM 616705.
Papillary renal cell carcinoma type 1 (RCCP1). Also called: RENAL CELL CARCINOMA, PAPILLARY, 1, SOMATIC; Renal adenocarcinoma; Renal cell carcinoma 1; Renal cell carcinoma, somatic. Identifiers: Orphanet 47044, MedGen C1336839, OMIM 605074, HP:0011797.

Allele frequency attached by ClinVar (database versions not stated): gnomAD exomes 0.00001 and below 0.00001; TOPMed below 0.00001; ExAC 0.00001.
gnomAD v4.1: 4 of 1,613,876 alleles (0.00025%); highest among the groups gnomAD compares: Non-Finnish European, 0.00034%; no homozygotes.

Submissions (7):

Dasa
Classification: Uncertain significance. Last evaluated: 2025-12-23. Review status: criteria provided, single submitter. Criteria: DASA Assertion Criteria. Collection method: clinical testing. Allele origin: germline.
Comment: NM_000245.4(MET):c.3352A>G (p.Ile1118Val) is a missense variant that results in the substitution of isoleucine with valine. This variant is rare in population databases. The currently available literature and clinical evidence are not sufficient to establish a definitive association between this variant and the reported condition. Therefore, this variant is classified as a variant of uncertain significance.

Labcorp Genetics (formerly Invitae), Labcorp
Classification: Uncertain significance for Renal cell carcinoma. Last evaluated: 2025-09-24. Review status: criteria provided, single submitter. Criteria: Invitae Variant Classification Sherloc (09022015). Collection method: clinical testing. Allele origin: germline.
Comment: This sequence change replaces isoleucine, which is neutral and non-polar, with valine, which is neutral and non-polar, at codon 1136 of the MET protein (p.Ile1136Val). This variant is present in population databases (rs755234697, gnomAD 0.002%). This variant has not been reported in the literature in individuals affected with MET-related conditions. ClinVar contains an entry for this variant (Variation ID: 454239). Invitae Evidence Modeling of protein sequence and biophysical properties (such as structural, functional, and spatial information, amino acid conservation, physicochemical variation, residue mobility, and thermodynamic stability) indicates that this missense variant is not expected to disrupt MET protein function with a negative predictive value of 80%. In summary, the available evidence is currently insufficient to determine the role of this variant in disease. Therefore, it has been classified as a Variant of Uncertain Significance.

Ambry Genetics
Classification: Likely benign for Hereditary cancer-predisposing syndrome. Last evaluated: 2024-08-28. Review status: criteria provided, single submitter. Criteria: Ambry Variant Classification Scheme 2023. Collection method: clinical testing. Allele origin: germline.

Baylor Genetics
Classification: Uncertain significance for Autosomal recessive nonsyndromic hearing loss 97. Last evaluated: 2023-07-23. Review status: criteria provided, single submitter. Criteria: ACMG Guidelines, 2015. Collection method: clinical testing. Allele origin: unknown.

GeneDx
Classification: Uncertain significance. Last evaluated: 2023-03-30. Review status: criteria provided, single submitter. Criteria: GeneDx Variant Classification Process June 2021. Collection method: clinical testing. Allele origin: germline. Affected: yes.
Comment: Not observed at significant frequency in large population cohorts (gnomAD); In silico analysis supports that this missense variant does not alter protein structure/function; Has not been previously published as pathogenic or benign to our knowledge; This variant is associated with the following publications: (PMID: 33237286)

St. Jude Molecular Pathology, St. Jude Children's Research Hospital
Classification: Uncertain significance for Papillary renal cell carcinoma type 1. Last evaluated: 2022-07-27. Review status: criteria provided, single submitter. Criteria: St. Jude Assertion Criteria 2020. Collection method: clinical testing. Allele origin: germline.
Comment: The MET c.3406A>G (p.Ile1136Val) missense change has a maximum frequency of 0.0016% in gnomAD v2.1.1. The in silico tool REVEL predicts a benign effect on protein function, but to our knowledge this prediction has not been confirmed by functional studies. To our knowledge, this variant has not been reported in individuals with hereditary papillary renal cell carcinoma. In summary, the evidence currently available is insufficient to determine the clinical significance of this variant. It has therefore been classified as of uncertain significance.

Mendelics
Classification: Uncertain significance for Renal cell carcinoma, papillary, 1. Last evaluated: 2018-07-02. Review status: criteria provided, single submitter. Criteria: Mendelics Assertion Criteria 2017. Collection method: clinical testing. Allele origin: unknown.